The following is an entry in ClinVar:

ClinVar aggregate classification (germline): Benign. Review status: criteria provided, multiple submitters, no conflicts (2 of 4 stars). 14 submissions from 12 submitters: Benign (7). 7 of the submissions do not count toward it. Last evaluated 2025-02-16.

Conditions:
Niemann-Pick disease, type C1. Also called: NEUROVISCERAL STORAGE DISEASE WITH VERTICAL SUPRANUCLEAR OPHTHALMOPLEGIA; NIEMANN-PICK DISEASE WITH CHOLESTEROL ESTERIFICATION BLOCK; NIEMANN-PICK DISEASE WITHOUT SPHINGOMYELINASE DEFICIENCY; NIEMANN-PICK DISEASE, CHRONIC NEURONOPATHIC FORM; NIEMANN-PICK DISEASE, VARIANT TYPE C1. Identifiers: Orphanet 646, MedGen C3179455, MONDO:0009757, OMIM 257220.

Submissions (24):

Laboratory of Genetics, Children's Clinical University Hospital Latvia
Classification: Benign. Last evaluated: 2025-02-16. Review status: criteria provided, single submitter. Criteria: ACMG Guidelines, 2015. Collection method: clinical testing. Allele origin: germline. Affected: yes.

Blueprint Genetics
Classification: Benign. Last evaluated: 2024-11-28. Review status: criteria provided, single submitter. Criteria: ACMG Guidelines, 2015. Collection method: clinical testing. Allele origin: germline.

Molecular Genetics, Royal Melbourne Hospital
Classification: Benign for Niemann-Pick disease, type C1. Last evaluated: 2023-05-04. Review status: criteria provided, single submitter. Criteria: ACMG Guidelines, 2015. Collection method: clinical testing. Allele origin: germline. Affected: yes.
Comment: East Asian population allele frequency is 46.48% (rs752453963, 7475/14430 alleles, 629 homozygotes in gnomAD v2.1). Based on the classification scheme RMH Modified ACMG/AMP Guidelines v1.3.0, this variant is classified as BENIGN. Following criteria are met: BA1

Dubai Health Genomic Medicine Center, Dubai Health
Classification: Benign for Niemann-Pick disease, type C1. Last evaluated: 2020-04-21. Review status: criteria provided, single submitter. Criteria: ACMG Guidelines, 2015. Collection method: clinical testing. Allele origin: germline. Affected: yes.

GeneDx
Classification: Benign. Last evaluated: 2019-08-20. Review status: criteria provided, single submitter. Criteria: GeneDx Variant Classification Process June 2021. Collection method: clinical testing. Allele origin: germline. Affected: yes.

Genome Diagnostics Laboratory, University Medical Center Utrecht
Classification: Benign for Niemann-Pick disease, type C1. Last evaluated: 2016-06-06. Review status: criteria provided, single submitter. Criteria: ACGS Guidelines, 2013. Collection method: clinical testing. Allele origin: germline. Affected: yes. Study: VKGL Data-share Consensus.

Laboratory for Molecular Medicine, Mass General Brigham Personalized Medicine
Classification: Benign. Last evaluated: 2016-03-28. Review status: criteria provided, single submitter. Criteria: LMM Criteria. Collection method: clinical testing. Allele origin: germline.
Comment: Variant identified in a genome or exome case(s) and assessed due to predicted null impact of the variant or pathogenic assertions in the literature or databases. Disclaimer: This variant has not undergone full assessment. The following are preliminary notes: Frequency

Natera, Inc.
Classification: Benign for Niemann-Pick disease type C1. Last evaluated: 2020-09-16. Review status: no assertion criteria provided. Collection method: clinical testing. Allele origin: germline. Not counted in ClinVar's aggregate classification.

Genome Diagnostics Laboratory, Amsterdam University Medical Center
Classification: Benign for Niemann-Pick disease, type C1. Last evaluated: 2017-01-06. Review status: no assertion criteria provided. Criteria: ACGS Guidelines, 2013. Collection method: clinical testing. Allele origin: germline. Affected: yes. Study: VKGL Data-share Consensus. Not counted in ClinVar's aggregate classification.

Mayo Clinic Laboratories, Mayo Clinic
Classification: Benign. Last evaluated: 2015-10-26. Review status: no assertion criteria provided. Collection method: clinical testing. Allele origin: unknown. Not counted in ClinVar's aggregate classification.

Diagnostic Laboratory, Department of Genetics, University Medical Center Groningen
Classification: Benign for Niemann-Pick disease, type C1. Review status: no assertion criteria provided. Collection method: clinical testing. Allele origin: germline. Affected: yes. Study: VKGL Data-share Consensus. Not counted in ClinVar's aggregate classification.

Dr. Peter K. Rogan Lab, Western University
No classification provided (evidence only). Condition: Adrenocortical carcinoma, hereditary. Review status: no classification provided. Collection method: in vitro. Allele origin: not applicable. Functional consequence: retained intron. Not counted in ClinVar's aggregate classification.

Dr. Peter K. Rogan Lab, Western University
No classification provided (evidence only). Condition: Acute myeloid leukemia. Review status: no classification provided. Collection method: in vitro. Allele origin: not applicable. Functional consequence: retained intron. Not counted in ClinVar's aggregate classification.

Dr. Peter K. Rogan Lab, Western University
No classification provided (evidence only). Condition: Familial cancer of breast. Review status: no classification provided. Collection method: in vitro. Allele origin: not applicable. Functional consequence: retained intron. Not counted in ClinVar's aggregate classification.

Dr. Peter K. Rogan Lab, Western University
No classification provided (evidence only). Condition: Familial cancer of breast. Review status: no classification provided. Collection method: in vitro. Allele origin: not applicable. Functional consequence: skipped exon. Not counted in ClinVar's aggregate classification.

Dr. Peter K. Rogan Lab, Western University
No classification provided (evidence only). Condition: Gastric cancer. Review status: no classification provided. Collection method: in vitro. Allele origin: not applicable. Functional consequence: retained intron. Not counted in ClinVar's aggregate classification.

Dr. Peter K. Rogan Lab, Western University
No classification provided (evidence only). Condition: Gastric cancer. Review status: no classification provided. Collection method: in vitro. Allele origin: not applicable. Functional consequence: retained intron. Not counted in ClinVar's aggregate classification.

Dr. Peter K. Rogan Lab, Western University
No classification provided (evidence only). Condition: Uveal melanoma. Review status: no classification provided. Collection method: in vitro. Allele origin: not applicable. Functional consequence: skipped exon. Not counted in ClinVar's aggregate classification.

Dr. Peter K. Rogan Lab, Western University
No classification provided (evidence only). Condition: Lymphoma. Review status: no classification provided. Collection method: in vitro. Allele origin: not applicable. Functional consequence: skipped exon. Not counted in ClinVar's aggregate classification.

Dr. Peter K. Rogan Lab, Western University
No classification provided (evidence only). Condition: Familial cancer of breast. Review status: no classification provided. Collection method: in vitro. Allele origin: not applicable. Functional consequence: skipped exon. Not counted in ClinVar's aggregate classification.

Dr. Peter K. Rogan Lab, Western University
No classification provided (evidence only). Condition: Uterine corpus endometrial carcinoma. Review status: no classification provided. Collection method: in vitro. Allele origin: not applicable. Functional consequence: retained intron. Not counted in ClinVar's aggregate classification.

Genome Diagnostics Laboratory, University Medical Center Utrecht
Classification: Benign. Review status: no assertion criteria provided. Collection method: clinical testing. Allele origin: germline. Affected: yes. Study: VKGL Data-share Consensus. Not counted in ClinVar's aggregate classification.

Laboratory of Diagnostic Genome Analysis, Leiden University Medical Center (LUMC)
Classification: Benign. Review status: no assertion criteria provided. Collection method: clinical testing. Allele origin: germline. Affected: yes. Study: VKGL Data-share Consensus. Not counted in ClinVar's aggregate classification.

Genome Diagnostics Laboratory, Amsterdam University Medical Center
Classification: Benign for Niemann-Pick disease, type C1. Last evaluated: 2016-10-13. Review status: flagged submission. Criteria: ACGS Guidelines, 2013. Collection method: clinical testing. Allele origin: germline. Affected: yes. Study: VKGL Data-share Consensus. Not counted in ClinVar's aggregate classification.
ClinVar note: Reason: This record appears to be redundant with a more recent record from the same submitter.
ClinVar note: Notes: SCV000745702 appears to be redundant with SCV000745704.

NM_000271.5(NPC1):c.2131-4del

Gene: NPC1 (NPC intracellular cholesterol transporter 1; minus strand). Cytogenetic location: 18q11.2.
Variant type: Deletion.
Coding change: c.2131-4del on transcript NM_000271.5 (MANE Select); 4 bases into the intron before coding-DNA position 2131, one base deleted (T; older notation c.2131-4delT).
Molecular consequence: intron variant.
Genome position (GRCh38, 1-based): chr18:23,543,573, A deleted on the plus strand (T on the coding strand, the reverse complement: NPC1 is on the minus strand); the first of 18 consecutive A bases (chr18:23,543,573-23,543,590); deleting any one gives the same sequence. VCF-style (leftmost placement, unchanged base first): chr18-23543572-TA-T. GRCh37 (hg19) VCF-style: chr18-21123536-TA-T.
Other names: NC_000018.9:g.21123554del; c.2131-4delT (NM_000271.5); c.2131-21del (NM_000271.5).
Identifiers: ClinVar variation 403254 (VCV000403254.20), dbSNP rs11299077, ClinGen allele CA8913199.